The following is an entry in ClinVar:

NM_001288705.3(CSF1R):c.1285G>A (p.Val429Met)

Gene: CSF1R (colony stimulating factor 1 receptor; minus strand). Cytogenetic location: 5q32.
Variant type: single nucleotide variant.
Coding change: c.1285G>A on transcript NM_001288705.3 (MANE Select); coding-DNA position 1285, G replaced by A.
Protein change: p.Val429Met; replaces valine 429 with methionine.
Molecular consequence: missense variant. On other transcripts: non-coding transcript variant (2).
Genome position (GRCh38, 1-based): chr5:150,070,216, C>T on the plus strand (G>A on the coding strand, the complement: CSF1R is on the minus strand). VCF-style: chr5-150070216-C-T. GRCh37 (hg19) VCF-style: chr5-149449779-C-T.
Other names: c.1285G>A, p.Val429Met (NM_001349736.2, NM_001375320.1, NM_005211.4); c.841G>A, p.Val281Met (NM_001375321.1); short protein forms V281M, V429M.
Identifiers: ClinVar variation 4695759 (VCV004695759.1).

ClinVar aggregate classification (germline): Uncertain significance (1 of 4 stars; one submission).

gnomAD v4.1: 3 of 1,614,104 alleles (0.00019%); highest among the groups gnomAD compares: African/African-American, 0.0013%; no homozygotes.

Submission:

Labcorp Genetics (formerly Invitae), Labcorp
Classification: Uncertain significance. Last evaluated: 2025-02-04. Review status: criteria provided, single submitter. Criteria: Invitae Variant Classification Sherloc (09022015). Collection method: clinical testing. Allele origin: germline.
Comment: This sequence change replaces valine, which is neutral and non-polar, with methionine, which is neutral and non-polar, at codon 429 of the CSF1R protein (p.Val429Met). This variant is present in population databases (rs776196303, gnomAD 0.0009%). This variant has not been reported in the literature in individuals affected with CSF1R-related conditions. Invitae Evidence Modeling of protein sequence and biophysical properties (such as structural, functional, and spatial information, amino acid conservation, physicochemical variation, residue mobility, and thermodynamic stability) indicates that this missense variant is not expected to disrupt CSF1R protein function with a negative predictive value of 95%. In summary, the available evidence is currently insufficient to determine the role of this variant in disease. Therefore, it has been classified as a Variant of Uncertain Significance.